The following is an entry in ClinVar:

NM_139343.3(BIN1):c.1114G>A (p.Val372Met)

Gene: BIN1 (bridging integrator 1; minus strand). Cytogenetic location: 2q14.3.
Variant type: single nucleotide variant.
Coding change: c.1114G>A on transcript NM_139343.3 (MANE Select); coding-DNA position 1114, G replaced by A.
Protein change: p.Val372Met; replaces valine 372 with methionine.
Molecular consequence: missense variant. On other transcripts: intron variant (9).
Genome position (GRCh38, 1-based): chr2:127,057,490, C>T on the plus strand (G>A on the coding strand, the complement: BIN1 is on the minus strand). VCF-style: chr2-127057490-C-T. GRCh37 (hg19) VCF-style: chr2-127815066-C-T.
Other names: c.1114G>A, p.Val372Met (NM_001320640.2); c.1021G>A, p.Val341Met (NM_001320641.2, NM_139347.3, NM_139348.3); c.1033G>A, p.Val345Met (NM_001320642.1); c.1066G>A, p.Val356Met (NM_139346.3); c.837+1521G>A (NM_001320634.1); c.909+1521G>A (NM_139351.3, NM_139350.3, NM_139349.3); c.954+1521G>A (NM_001320632.2, NM_004305.4); c.1002+1521G>A (NM_001320633.2, NM_139345.3, NM_139344.3); short protein forms V372M, V345M, V356M, V341M.
Identifiers: ClinVar variation 383228 (VCV000383228.14), dbSNP rs749198133, ClinGen allele CA1857187.
Genomic context (GRCh38, chr2:127,057,490, plus strand): 5'-GGCAGGAAGAGAGGAGAGCTGGGCCGCGGCGGCCGCGGCTGACCTGGGAGGGGGTGGTCA[C>T]GCTGATCTCAGGGACAAACGTGTCCTCAAACAGGCTGAGGATCTGCTCCTGCTTGACTTC-3'
Protein context (NP_647593.1, residues 362-382): FEDTFVPEIS[Val372Met]TTPSQFEAPG

ClinVar aggregate classification (germline): Uncertain significance. Review status: criteria provided, multiple submitters, no conflicts (2 of 4 stars). 4 submissions from 4 submitters: Uncertain significance (4). Last evaluated 2025-08-26.

Conditions:
Inborn genetic diseases. Identifiers: MedGen C0950123, MeSH D030342.
Myopathy, centronuclear, 2 (CNM2). Also called: MYOTUBULAR MYOPATHY, AUTOSOMAL RECESSIVE. Identifiers: Orphanet 169186, MedGen CN031787, MONDO:0009709, OMIM 255200.

Allele frequency attached by ClinVar (database versions not stated): gnomAD exomes 0.00002 and 0.00003; TOPMed 0.00003; gnomAD 0.00001 and 0.00003; ExAC 0.00005.
gnomAD v4.1: 33 of 1,546,764 alleles (0.0021%); highest among the groups gnomAD compares: South Asian, 0.013%; no homozygotes.

Submissions (4):

Labcorp Genetics (formerly Invitae), Labcorp
Classification: Uncertain significance for Myopathy, centronuclear, 2. Last evaluated: 2025-08-26. Review status: criteria provided, single submitter. Criteria: Invitae Variant Classification Sherloc (09022015). Collection method: clinical testing. Allele origin: germline.
Comment: This sequence change replaces valine, which is neutral and non-polar, with methionine, which is neutral and non-polar, at codon 372 of the BIN1 protein (p.Val372Met). The frequency data for this variant in the population databases is considered unreliable, as metrics indicate poor data quality at this position in the gnomAD database. This variant has not been reported in the literature in individuals affected with BIN1-related conditions. ClinVar contains an entry for this variant (Variation ID: 383228). An algorithm developed to predict the effect of missense changes on protein structure and function (PolyPhen-2) suggests that this variant is likely to be disruptive. In summary, the available evidence is currently insufficient to determine the role of this variant in disease. Therefore, it has been classified as a Variant of Uncertain Significance.

Revvity Omics, Revvity
Classification: Uncertain significance for Myopathy, centronuclear, 2. Last evaluated: 2024-09-08. Review status: criteria provided, single submitter. Criteria: ACMG Guidelines, 2015. Collection method: clinical testing. Allele origin: germline.

Ambry Genetics
Classification: Uncertain significance for Inborn genetic diseases. Last evaluated: 2024-02-05. Review status: criteria provided, single submitter. Criteria: Ambry Variant Classification Scheme 2023. Collection method: clinical testing. Allele origin: germline.

GeneDx
Classification: Uncertain significance. Last evaluated: 2016-02-29. Review status: criteria provided, single submitter. Criteria: GeneDx Variant Classification (06012015). Collection method: clinical testing. Allele origin: germline. Affected: yes.
Comment: A variant of uncertain significance has been identified in the BIN1 gene. The V372M variant has not been published as a pathogenic variant, nor has it been reported as a benign variant to our knowledge. It was not observed in approximately 6,300 individuals of European and African American ancestry in the NHLBI Exome Sequencing Project, indicating it is not a common benign variant in these populations. The V372M variant is a conservative amino acid substitution, which is not likely to impact secondary protein structure as these residues share similar properties. However, this substitution occurs at a position that is conserved across species, and in silico analysis predicts this variant is probably damaging to the protein structure/function. Therefore, based on the currently available information, it is unclear whether this variant is a pathogenic variant or a rare benign variant.